The following is an entry in ClinVar:

NM_000277.3(PAH):c.1180G>T (p.Asp394Tyr)

Gene: PAH (phenylalanine hydroxylase; minus strand). Cytogenetic location: 12q23.2.
Variant type: single nucleotide variant.
Coding change: c.1180G>T on transcript NM_000277.3 (MANE Select); coding-DNA position 1180, G replaced by T.
Protein change: p.Asp394Tyr; replaces aspartic acid 394 with tyrosine.
Molecular consequence: missense variant.
Genome position (GRCh38, 1-based): chr12:102,843,665, C>A on the plus strand (G>T on the coding strand, the complement: PAH is on the minus strand). VCF-style: chr12-102843665-C-A. GRCh37 (hg19) VCF-style: chr12-103237443-C-A.
Other names: c.1180G>T, p.Asp394Tyr (NM_001354304.2); short protein forms D394Y.
Identifiers: ClinVar variation 120262 (VCV000120262.3), dbSNP rs62516142, ClinGen allele CA267632.

ClinVar aggregate classification (germline): Likely pathogenic. Review status: reviewed by expert panel (3 of 4 stars). 2 submissions from 2 submitters: Likely pathogenic (1). 1 of the submissions does not count toward it. Last evaluated 2020-07-10.

Conditions:
Phenylketonuria (PKU). Also called: Phenylketonuria (PKU); FOLLING DISEASE; OLIGOPHRENIA PHENYLPYRUVICA; Phenylketonurias. Identifiers: Orphanet 716, MedGen C0031485, MONDO:0009861, OMIM 261600. Disease mechanism: loss of function.

Submissions (2):

ClinGen PAH Variant Curation Expert Panel
Classification: Likely pathogenic for Phenylketonuria. Last evaluated: 2020-07-10. Review status: reviewed by expert panel. Criteria: ClinGen PAH ACMG Specifications v1. Collection method: curation. Allele origin: germline. Inheritance: Autosomal recessive inheritance.
Comment: The c.1180G>T (p.Asp394Tyr) variant in PAH has been reported in 2 French patients with mild PKU, BH4 deficiency not ruled out PMID: 26666653. This variant is absent in population databases. Multiple lines of computational evidence support a deleterious effect. In summary, this variant meets criteria to be classified as likely pathogenic for PAH. PAH-specific ACMG/AMP criteria applied: PP4, PM2, PM3, PP3.

Inserm U 954, Faculté de Médecine de Nancy
Classification: Likely pathogenic for Phenylketonuria. Review status: no assertion criteria provided. Collection method: not provided. Allele origin: unknown. Not counted in ClinVar's aggregate classification.
Comment: PKU patients
ClinVar note: Converted during submission from probable-pathogenic to Likely pathogenic.

Literature cited by the submitters: PubMed 26666653 (cited by ClinGen PAH Variant Curation Expert Panel).